The following is an entry in ClinVar:

NM_000215.4(JAK3):c.3207+73G>A

Gene: JAK3 (Janus kinase 3; minus strand). Cytogenetic location: 19p13.11.
Variant type: single nucleotide variant.
Coding change: c.3207+73G>A on transcript NM_000215.4 (MANE Select); 73 bases into the intron after coding-DNA position 3207, G replaced by A.
Molecular consequence: intron variant.
Genome position (GRCh38, 1-based): chr19:17,830,035, C>T on the plus strand (G>A on the coding strand, the complement: JAK3 is on the minus strand). VCF-style: chr19-17830035-C-T. GRCh37 (hg19) VCF-style: chr19-17940844-C-T.
Identifiers: ClinVar variation 135549 (VCV000135549.2), dbSNP rs536358097, ClinGen allele CA163006.
Genomic context (GRCh38, chr19:17,830,035, plus strand): 5'-GGGGCCAGGATCCTCATCGGCCTCACACTCTAGCCTTTCTTCTCAGTACAGAGACTCAGG[C>T]GCCAGCTGGCTTGCCCGAGACCCCGGCCCAATCTACAGACTGGGAAACTGAGGCTAGCCC-3'

ClinVar aggregate classification (germline): Likely benign. Review status: criteria provided, single submitter (1 of 4 stars). 2 submissions from 2 submitters: Likely benign (1). 1 of the submissions does not count toward it. Last evaluated 2024-09-20.

Conditions:
T-B+ severe combined immunodeficiency due to JAK3 deficiency. Also called: SCID, autosomal recessive, T-negative/B-positive type; SCID, T CELL-NEGATIVE, B CELL-POSITIVE, NK CELL-NEGATIVE. Identifiers: Orphanet 35078, MedGen C1833275, MONDO:0010938, OMIM 600802.

Allele frequency attached by ClinVar (database versions not stated): ExAC 0.00009; 1000 Genomes Project 30x 0.00031; gnomAD 0.00009 and 0.00010; TOPMed 0.00019; 1000 Genomes Project 0.00040; gnomAD exomes 0.00035.
gnomAD v4.1: 82 of 1,092,050 alleles (0.0075%); highest among the groups gnomAD compares: East Asian, 0.2%; no homozygotes.

Submissions (2):

3billion
Classification: Likely benign for T-B+ severe combined immunodeficiency due to JAK3 deficiency. Last evaluated: 2024-09-20. Review status: criteria provided, single submitter. Criteria: ACMG Guidelines, 2015. Collection method: clinical testing. Allele origin: germline. Affected: no.
Comment: The homozygous variant was found in patients diagnosed with another variant in a different gene, with no symptoms related to the gene containing the homozygous variant.

ITMI
No classification provided. Condition: AllHighlyPenetrant. Last evaluated: 2013-09-19. Review status: no classification provided. Collection method: reference population. Allele origin: germline. Not counted in ClinVar's aggregate classification.
Comment: Please see associated publication for description of ethnicities

Literature cited by the submitters: PubMed 24728327 (cited by ITMI).